The following is an entry in ClinVar:

NM_201384.3(PLEC):c.5028C>T (p.Arg1676=)

Gene: PLEC (plectin; minus strand). Cytogenetic location: 8q24.3.
Variant type: single nucleotide variant.
Coding change: c.5028C>T on transcript NM_201384.3 (MANE Select); coding-DNA position 5028, C replaced by T.
Protein change: p.Arg1676=; no amino-acid change (arginine 1676 retained).
Molecular consequence: synonymous variant.
Genome position (GRCh38, 1-based): chr8:143,924,901, G>A on the plus strand (C>T on the coding strand, the complement: PLEC is on the minus strand). VCF-style: chr8-143924901-G-A. GRCh37 (hg19) VCF-style: chr8-144999069-G-A.
Other names: c.5109C>T, p.Arg1703= (NM_000445.5); c.4986C>T, p.Arg1662= (NM_201378.4); c.4962C>T, p.Arg1654= (NM_201379.3); c.5439C>T, p.Arg1813= (NM_201380.4); c.4932C>T, p.Arg1644= (NM_201381.3); c.5028C>T, p.Arg1676= (NM_201382.4); c.5040C>T, p.Arg1680= (NM_201383.3).
Identifiers: ClinVar variation 471601 (VCV000471601.11), dbSNP rs200727084, ClinGen allele CA4926454.

ClinVar aggregate classification (germline): Benign/Likely benign. Review status: criteria provided, multiple submitters, no conflicts (2 of 4 stars). 2 submissions from 2 submitters: Benign (1); Likely benign (1). Last evaluated 2026-01-21.

Conditions:
Epidermolysis bullosa simplex with nail dystrophy (EBS5D). Identifiers: MedGen C4225309, MONDO:0014661, OMIM 616487.
Epidermolysis bullosa simplex, Ogna type (EBS5A). Also called: Pidermolysis bullosa simplex 5A, Ogna type; EPIDERMOLYSIS BULLOSA SIMPLEX 5A, OGNA TYPE. Identifiers: Orphanet 79401, MedGen C0432317, MONDO:0007555, OMIM 131950.
Autosomal recessive limb-girdle muscular dystrophy type 2Q (LGMDR17). Also called: MUSCULAR DYSTROPHY, LIMB-GIRDLE, AUTOSOMAL RECESSIVE 17. Identifiers: Orphanet 254361, MedGen C3150989, MONDO:0013390, OMIM 613723.
Epidermolysis bullosa simplex 5C, with pyloric atresia (EBS5C). Also called: PLEC-Related Epidermolysis Bullosa with Pyloric Atresia; Epidermolysis bullosa simplex with pyloric atresia; PLEC1-Related Epidermolysis Bullosa with Pyloric Atresia. Identifiers: Orphanet 158684, MedGen C2677349, MONDO:0012807, OMIM 612138.
Epidermolysis bullosa simplex 5B, with muscular dystrophy (EBS5B). Also called: EPIDERMOLYSIS BULLOSA SIMPLEX AND LIMB-GIRDLE MUSCULAR DYSTROPHY; Epidermolysis bullosa simplex with muscular dystrophy. Identifiers: Orphanet 257, MedGen C2931072, MONDO:0009181, OMIM 226670.

Allele frequency attached by ClinVar (database versions not stated): gnomAD exomes 0.00038 and 0.00125; gnomAD 0.00041 and 0.00052; TOPMed 0.00073; 1000 Genomes Project 0.00120; ExAC 0.00204; 1000 Genomes Project 30x 0.00219.
gnomAD v4.1: 619 of 1,587,100 alleles (0.039%); highest among the groups gnomAD compares: East Asian, 1.2%; 9 homozygotes.

Submissions (2):

Labcorp Genetics (formerly Invitae), Labcorp
Classification: Benign for Autosomal recessive limb-girdle muscular dystrophy type 2Q; Epidermolysis bullosa simplex, Ogna type; Epidermolysis bullosa simplex with nail dystrophy; Epidermolysis bullosa simplex 5C, with pyloric atresia; Epidermolysis bullosa simplex 5B, with muscular dystrophy. Last evaluated: 2026-01-21. Review status: criteria provided, single submitter. Criteria: Invitae Variant Classification Sherloc (09022015). Collection method: clinical testing. Allele origin: germline.

GeneDx
Classification: Likely benign. Last evaluated: 2017-06-16. Review status: criteria provided, single submitter. Criteria: GeneDx Variant Classification (06012015). Collection method: clinical testing. Allele origin: germline. Affected: yes.
Comment: This variant is considered likely benign or benign based on one or more of the following criteria: it is a conservative change, it occurs at a poorly conserved position in the protein, it is predicted to be benign by multiple in silico algorithms, and/or has population frequency not consistent with disease.